The following is an entry in ClinVar:

NM_001330.5(CTF1):c.578G>A (p.Gly193Asp)

Genes: CTF1 (cardiotrophin 1; plus strand), LOC130058878 (ATAC-STARR-seq lymphoblastoid silent region 7400; plus strand). Cytogenetic location: 16p11.2.
Variant type: single nucleotide variant.
Coding change: c.578G>A on transcript NM_001330.5 (MANE Select); coding-DNA position 578, G replaced by A.
Protein change: p.Gly193Asp; replaces glycine 193 with aspartic acid.
Molecular consequence: missense variant. On other transcripts: non-coding transcript variant (1).
Genome position (GRCh38, 1-based): chr16:30,902,511, G>A. VCF-style: chr16-30902511-G-A. GRCh37 (hg19) VCF-style: chr16-30913832-G-A.
Other names: c.575G>A, p.Gly192Asp (NM_001142544.3); short protein forms G193D, G192D.
Identifiers: ClinVar variation 2140240 (VCV002140240.4), dbSNP rs1406867272, ClinGen allele CA395619813.
Genomic context (GRCh38, chr16:30,902,511, plus strand): 5'-TGGGGCTCCGCGTTTGCGGCCTCTACCGCGAGTGGCTGAGCCGCACCGAGGGCGACCTGG[G>A]CCAGCTGCTGCCCGGGGGCTCGGCCTGAGCGCCGCGGGGCAGCTCGCCCCGCCTCCTCCC-3'
Protein context (NP_001321.1, residues 183-201): EWLSRTEGDL[Gly193Asp]QLLPGGSA

ClinVar aggregate classification (germline): Uncertain significance (1 of 4 stars; one submission).

Allele frequency attached by ClinVar (database versions not stated): gnomAD exomes below 0.00001; gnomAD 0.00001.
gnomAD v4.1: 5 of 1,493,988 alleles (0.00033%); highest among the groups gnomAD compares: African/African-American, 0.0014%; no homozygotes.

Submission:

Labcorp Genetics (formerly Invitae), Labcorp
Classification: Uncertain significance. Last evaluated: 2023-11-13. Review status: criteria provided, single submitter. Criteria: Invitae Variant Classification Sherloc (09022015). Collection method: clinical testing. Allele origin: germline.
Comment: This sequence change replaces glycine, which is neutral and non-polar, with aspartic acid, which is acidic and polar, at codon 193 of the CTF1 protein (p.Gly193Asp). This variant is not present in population databases (gnomAD no frequency). This variant has not been reported in the literature in individuals affected with CTF1-related conditions. ClinVar contains an entry for this variant (Variation ID: 2140240). An algorithm developed to predict the effect of missense changes on protein structure and function (PolyPhen-2) suggests that this variant is likely to be tolerated. In summary, the available evidence is currently insufficient to determine the role of this variant in disease. Therefore, it has been classified as a Variant of Uncertain Significance.